The following is an entry in ClinVar:

ClinVar aggregate classification (germline): Uncertain significance. Review status: criteria provided, multiple submitters, no conflicts (2 of 4 stars). 2 submissions from 2 submitters: Uncertain significance (2). Last evaluated 2025-09-22.

Conditions:
Inborn genetic diseases. Identifiers: MedGen C0950123, MeSH D030342.
Hypoplastic enamel-onycholysis-hypohidrosis syndrome (TNS). Also called: Tooth-and-Nail Syndrome; ECTODERMAL DYSPLASIA 3, TOOTH/NAIL TYPE; NAIL DYSPLASIA WITH HYPODONTIA; ECTODERMAL DYSPLASIA 3, WITKOP TYPE; WITKOP SYNDROME. Identifiers: Orphanet 2228, MedGen C0406735, MONDO:0008582, OMIM 189500.

Allele frequency attached by ClinVar (database versions not stated): gnomAD exomes below 0.00001.

Submissions (2):

Ambry Genetics
Classification: Uncertain significance for Inborn genetic diseases. Last evaluated: 2025-09-22. Review status: criteria provided, single submitter. Criteria: Ambry Variant Classification Scheme 2023. Collection method: clinical testing. Allele origin: germline.
Comment: The c.670C>T (p.R224C) alteration is located in exon 2 (coding exon 2) of the MSX1 gene. This alteration results from a C to T substitution at nucleotide position 670, causing the arginine (R) at amino acid position 224 to be replaced by a cysteine (C). This allele was reported in one heterozygous individual in population-based cohorts in the Genome Aggregation Database (gnomAD). This variant was reported in individuals with features consistent with MSX1-related orodental anomalies (Zheng, 2021; Yu, 2022; Su, 2024). This amino acid position is highly conserved in available vertebrate species. This alteration is predicted to be deleterious by in silico analysis. Based on insufficient or conflicting evidence, the clinical significance of this alteration remains unclear.

Labcorp Genetics (formerly Invitae), Labcorp
Classification: Uncertain significance for Hypoplastic enamel-onycholysis-hypohidrosis syndrome. Last evaluated: 2020-03-04. Review status: criteria provided, single submitter. Criteria: Invitae Variant Classification Sherloc (09022015). Collection method: clinical testing. Allele origin: germline.
Comment: In summary, the available evidence is currently insufficient to determine the role of this variant in disease. Therefore, it has been classified as a Variant of Uncertain Significance. Algorithms developed to predict the effect of missense changes on protein structure and function (SIFT, PolyPhen-2, Align-GVGD) all suggest that this variant is likely to be disruptive, but these predictions have not been confirmed by published functional studies and their clinical significance is uncertain. This sequence change replaces arginine with cysteine at codon 224 of the MSX1 protein (p.Arg224Cys). The arginine residue is highly conserved and there is a large physicochemical difference between arginine and cysteine. This variant is not present in population databases (ExAC no frequency). This variant has not been reported in the literature in individuals with MSX1-related conditions.

Literature cited by the submitters: PubMed 33419968 (cited by Ambry Genetics); PubMed 36071541 (cited by Ambry Genetics); PubMed 39408781 (cited by Ambry Genetics).

NM_002448.3(MSX1):c.670C>T (p.Arg224Cys)

Gene: MSX1 (msh homeobox 1; plus strand). Cytogenetic location: 4p16.2.
Variant type: single nucleotide variant.
Coding change: c.670C>T on transcript NM_002448.3 (MANE Select); coding-DNA position 670, C replaced by T.
Protein change: p.Arg224Cys; replaces arginine 224 with cysteine.
Molecular consequence: missense variant.
Genome position (GRCh38, 1-based): chr4:4,862,901, C>T. VCF-style: chr4-4862901-C-T. GRCh37 (hg19) VCF-style: chr4-4864628-C-T.
Other names: short protein forms R224C.
Identifiers: ClinVar variation 1026068 (VCV001026068.9), dbSNP rs1342784720, ClinGen allele CA356138607.